The following is an entry in ClinVar:

NM_000414.4(HSD17B4):c.751C>T (p.Arg251Trp)

Gene: HSD17B4 (hydroxysteroid 17-beta dehydrogenase 4; plus strand). Cytogenetic location: 5q23.1.
Variant type: single nucleotide variant.
Coding change: c.751C>T on transcript NM_000414.4 (MANE Select); coding-DNA position 751, C replaced by T.
Protein change: p.Arg251Trp; replaces arginine 251 with tryptophan.
Molecular consequence: missense variant.
Genome position (GRCh38, 1-based): chr5:119,493,829, C>T. VCF-style: chr5-119493829-C-T. GRCh37 (hg19) VCF-style: chr5-118829524-C-T.
Other names: c.826C>T, p.Arg276Trp (NM_001199291.3); c.697C>T, p.Arg233Trp (NM_001199292.2); c.679C>T, p.Arg227Trp (NM_001292027.2); c.331C>T, p.Arg111Trp (NM_001292028.2); c.751C>T (NM_000414.3); short protein forms R251W, R276W, R111W, R233W, R227W.
Identifiers: ClinVar variation 559068 (VCV000559068.12), dbSNP rs771780974, ClinGen allele CA3381978.

ClinVar aggregate classification (germline): Conflicting classifications of pathogenicity. Review status: criteria provided, conflicting classifications (1 of 4 stars). 4 submissions from 4 submitters: Pathogenic (1); Likely pathogenic (1); Uncertain significance (1). 1 of the submissions does not count toward it. Last evaluated 2024-09-29.

Conditions:
Bifunctional peroxisomal enzyme deficiency (DBIF). Also called: PBFE DEFICIENCY; D-bifunctional protein deficiency; DBP DEFICIENCY. Identifiers: Orphanet 300, MedGen C0342870, MONDO:0009855, OMIM 261515. Disease mechanism: loss of function.
Perrault syndrome 1 (PRLTS1). Also called: GONADAL DYSGENESIS, XX TYPE, WITH DEAFNESS; OVARIAN DYSGENESIS WITH SENSORINEURAL DEAFNESS. Identifiers: Orphanet 2855, Orphanet 642945, MedGen C4551721, MONDO:0009300, OMIM 233400.
Perrault syndrome. Also called: Gonadal dysgenesis with auditory dysfunction, autosomal recessive inheritance. Identifiers: Orphanet 2855, MedGen C0685838, MONDO:0017312.

Allele frequency attached by ClinVar (database versions not stated): ExAC 0.00001; gnomAD 0.00001; gnomAD exomes 0.00001; TOPMed 0.00003.
gnomAD v4.1: 17 of 1,612,552 alleles (0.0011%); highest among the groups gnomAD compares: South Asian, 0.0066%; no homozygotes.

Submissions (4):

Labcorp Genetics (formerly Invitae), Labcorp
Classification: Pathogenic for Perrault syndrome; Bifunctional peroxisomal enzyme deficiency. Last evaluated: 2024-09-29. Review status: criteria provided, single submitter. Criteria: Invitae Variant Classification Sherloc (09022015). Collection method: clinical testing. Allele origin: germline.
Comment: This sequence change replaces arginine, which is basic and polar, with tryptophan, which is neutral and slightly polar, at codon 251 of the HSD17B4 protein (p.Arg251Trp). This variant is present in population databases (rs771780974, gnomAD 0.006%). This missense change has been observed in individual(s) with D-bifunctional protein deficiency (internal data). In at least one individual the data is consistent with being in trans (on the opposite chromosome) from a pathogenic variant. It has also been observed to segregate with disease in related individuals. ClinVar contains an entry for this variant (Variation ID: 559068). Invitae Evidence Modeling of protein sequence and biophysical properties (such as structural, functional, and spatial information, amino acid conservation, physicochemical variation, residue mobility, and thermodynamic stability) has been performed for this missense variant. However, the output from this modeling did not meet the statistical confidence thresholds required to predict the impact of this variant on HSD17B4 protein function. For these reasons, this variant has been classified as Pathogenic.

Fulgent Genetics
Classification: Likely pathogenic for Perrault syndrome 1; Bifunctional peroxisomal enzyme deficiency. Last evaluated: 2024-01-24. Review status: criteria provided, single submitter. Criteria: ACMG Guidelines, 2015. Collection method: clinical testing. Allele origin: germline.

Women's Health and Genetics/Laboratory Corporation of America, LabCorp
Classification: Uncertain significance. Last evaluated: 2023-05-16. Review status: criteria provided, single submitter. Criteria: LabCorp Variant Classification Summary - May 2015. Collection method: clinical testing. Allele origin: germline.
Comment: Variant summary: HSD17B4 c.751C>T (p.Arg251Trp) results in a non-conservative amino acid change in the encoded protein sequence. Five of five in-silico tools predict a damaging effect of the variant on protein function. The variant allele was found at a frequency of 8e-06 in 250770 control chromosomes (gnomAD). The available data on variant occurrences in the general population are insufficient to allow any conclusion about variant significance. To our knowledge, no occurrence of c.751C>T in individuals affected with D-Bifunctional Protein Deficiency and no experimental evidence demonstrating its impact on protein function have been reported. Two clinical diagnostic laboratories have submitted clinical-significance assessments for this variant to ClinVar after 2014 without evidence for independent evaluation. One laboratory classified the variant as pathogenic, and one laboratory classified the variant as uncertain significance. Based on the evidence outlined above, the variant was classified as uncertain significance.

Mayo Clinic Laboratories, Mayo Clinic
Classification: Uncertain significance. Last evaluated: 2018-02-15. Review status: no assertion criteria provided. Collection method: clinical testing. Allele origin: unknown. Not counted in ClinVar's aggregate classification.